The following is an entry in ClinVar:

NM_001041.4(SI):c.160A>G (p.Thr54Ala)

Gene: SI (sucrase-isomaltase; minus strand). Cytogenetic location: 3q26.1.
Variant type: single nucleotide variant.
Coding change: c.160A>G on transcript NM_001041.4 (MANE Select); coding-DNA position 160, A replaced by G.
Protein change: p.Thr54Ala; replaces threonine 54 with alanine.
Molecular consequence: missense variant.
Genome position (GRCh38, 1-based): chr3:165,074,626, T>C on the plus strand (A>G on the coding strand, the complement: SI is on the minus strand). VCF-style: chr3-165074626-T-C. GRCh37 (hg19) VCF-style: chr3-164792414-T-C.
Other names: c.160A>G (NM_001041.3); short protein forms T54A.
Identifiers: ClinVar variation 1042052 (VCV001042052.8), dbSNP rs544498038, ClinGen allele CA2691598.
Genomic context (GRCh38, chr3:165,074,626, plus strand): 5'-TCACATTGACAGGATCATTTAACACATTTGGACATTTTCCTGAATCAGAAGGATTTGTAG[T>C]CACACGAGTAGTAGCTGGAGTTGAAGTAGAATCACTAATTTCTGGGGGAGGAAAAAACTC-3'
Protein context (NP_001032.2, residues 44-64): STSTPATTRV[Thr54Ala]TNPSDSGKCP

ClinVar aggregate classification (germline): Uncertain significance. Review status: criteria provided, multiple submitters, no conflicts (2 of 4 stars). 3 submissions from 3 submitters: Uncertain significance (3). Last evaluated 2023-12-20.

Conditions:
Inborn genetic diseases. Identifiers: MedGen C0950123, MeSH D030342.
Sucrase-isomaltase deficiency (CSID). Also called: Congenital sucrose isomaltose malabsorption; Sucrose isomaltose enzyme deficiency; Deficiency of isomaltase; SI DEFICIENCY. Identifiers: Orphanet 35122, MedGen C1283620, MONDO:0009114, OMIM 222900.

Allele frequency attached by ClinVar (database versions not stated): gnomAD exomes below 0.00001; ExAC 0.00001; TOPMed 0.00002; gnomAD 0.00003.
gnomAD v4.1: 5 of 1,610,976 alleles (0.00031%); highest among the groups gnomAD compares: Admixed American, 0.0067%; 1 homozygote.

Submissions (3):

Ambry Genetics
Classification: Uncertain significance for Inborn genetic diseases. Last evaluated: 2023-12-20. Review status: criteria provided, single submitter. Criteria: Ambry Variant Classification Scheme 2023. Collection method: clinical testing. Allele origin: germline.

Laboratorio de Genetica e Diagnostico Molecular, Hospital Israelita Albert Einstein
Classification: Uncertain significance for Sucrase-isomaltase deficiency. Last evaluated: 2023-11-13. Review status: criteria provided, single submitter. Criteria: ACMG Guidelines, 2015. Collection method: clinical testing. Allele origin: germline. Affected: yes.
Comment: ACMG classification criteria: PM2 moderate, BP4 supporting

Labcorp Genetics (formerly Invitae), Labcorp
Classification: Uncertain significance. Last evaluated: 2023-07-10. Review status: criteria provided, single submitter. Criteria: Invitae Variant Classification Sherloc (09022015). Collection method: clinical testing. Allele origin: germline.
Comment: This sequence change replaces threonine, which is neutral and polar, with alanine, which is neutral and non-polar, at codon 54 of the SI protein (p.Thr54Ala). This variant is present in population databases (rs544498038, gnomAD 0.004%). This variant has not been reported in the literature in individuals affected with SI-related conditions. ClinVar contains an entry for this variant (Variation ID: 1042052). Advanced modeling of protein sequence and biophysical properties (such as structural, functional, and spatial information, amino acid conservation, physicochemical variation, residue mobility, and thermodynamic stability) has been performed at Invitae for this missense variant, however the output from this modeling did not meet the statistical confidence thresholds required to predict the impact of this variant on SI protein function. In summary, the available evidence is currently insufficient to determine the role of this variant in disease. Therefore, it has been classified as a Variant of Uncertain Significance.